The following is an entry in ClinVar:

ClinVar aggregate classification (germline): Uncertain significance. Review status: criteria provided, multiple submitters, no conflicts (2 of 4 stars). 4 submissions from 4 submitters: Uncertain significance (4). Last evaluated 2025-10-06.

Conditions:
Malignant hyperthermia, susceptibility to, 5 (MHS5). Also called: CACNA1S-Related Malignant Hyperthermia Susceptibility. Identifiers: Orphanet 423, MedGen C1866077, MONDO:0011163, OMIM 601887.
Congenital myopathy 18. Also called: DIHYDROPYRIDINE RECEPTOR CONGENITAL MYOPATHY; DHPR CONGENITAL MYOPATHY; Myopathy, congenital, due to dihydropyridine receptor defect. Identifiers: MedGen C5830283, MONDO:0859514, OMIM 620246.
Thyrotoxic periodic paralysis, susceptibility to, 1 (TTPP1). Identifiers: Orphanet 79102, MedGen C2749982, MONDO:0008570, OMIM 188580.
Hypokalemic periodic paralysis, type 1. Also called: Hypokalemic Periodic Paralysis Type 1 (AD); HypoPP. Identifiers: Orphanet 681, MedGen C3714580, MONDO:0042979, OMIM 170400.

Allele frequency attached by ClinVar (database versions not stated): TOPMed below 0.00001; gnomAD 0.00001; gnomAD exomes 0.00001.
gnomAD v4.1: 6 of 1,613,922 alleles (0.00037%); highest among the groups gnomAD compares: Non-Finnish European, 0.00051%; no homozygotes.

Submissions (4):

Labcorp Genetics (formerly Invitae), Labcorp
Classification: Uncertain significance for Hypokalemic periodic paralysis, type 1; Malignant hyperthermia, susceptibility to, 5. Last evaluated: 2025-10-06. Review status: criteria provided, single submitter. Criteria: Invitae Variant Classification Sherloc (09022015). Collection method: clinical testing. Allele origin: germline.
Comment: This sequence change replaces aspartic acid, which is acidic and polar, with tyrosine, which is neutral and polar, at codon 1390 of the CACNA1S protein (p.Asp1390Tyr). This variant is present in population databases (no rsID available, gnomAD 0.002%). This variant has not been reported in the literature in individuals affected with CACNA1S-related conditions. ClinVar contains an entry for this variant (Variation ID: 3069403). Invitae Evidence Modeling of protein sequence and biophysical properties (such as structural, functional, and spatial information, amino acid conservation, physicochemical variation, residue mobility, and thermodynamic stability) has been performed for this missense variant. However, the output from this modeling did not meet the statistical confidence thresholds required to predict the impact of this variant on CACNA1S protein function. In summary, the available evidence is currently insufficient to determine the role of this variant in disease. Therefore, it has been classified as a Variant of Uncertain Significance.

Color Diagnostics, LLC DBA Color Health
Classification: Uncertain significance for Malignant hyperthermia, susceptibility to, 5. Last evaluated: 2025-08-30. Review status: criteria provided, single submitter. Criteria: ACMG Guidelines, 2015. Collection method: clinical testing. Allele origin: germline.
Comment: This missense variant replaces aspartic acid with tyrosine at codon 1390 of the CACNA1S protein. Computational prediction is inconclusive regarding the impact of this variant on protein structure and function. To our knowledge, functional studies have not been reported for this variant. This variant has not been reported in individuals affected with CACNA1S-related disorders in the literature. This variant has been identified in 3/282838 chromosomes in the general population by the Genome Aggregation Database (gnomAD). The available evidence is insufficient to determine the role of this variant in disease conclusively. Therefore, this variant is classified as a Variant of Uncertain Significance.

Fulgent Genetics
Classification: Uncertain significance for Hypokalemic periodic paralysis, type 1; Thyrotoxic periodic paralysis, susceptibility to, 1; Malignant hyperthermia, susceptibility to, 5; Congenital myopathy 18. Last evaluated: 2024-02-13. Review status: criteria provided, single submitter. Criteria: ACMG Guidelines, 2015. Collection method: clinical testing. Allele origin: germline.

All of Us Research Program, National Institutes of Health
Classification: Uncertain significance for Malignant hyperthermia, susceptibility to, 5. Last evaluated: 2024-01-11. Review status: criteria provided, single submitter. Criteria: ACMG Guidelines, 2015. Collection method: clinical testing. Allele origin: germline. Inheritance: Autosomal dominant inheritance. Observed: 4 variant alleles, 4 heterozygotes.
Comment: This missense variant replaces aspartic acid with tyrosine at codon 1390 of the CACNA1S protein. Computational prediction is inconclusive regarding the impact of this variant on protein structure and function (internally defined REVEL score threshold 0.5 < inconclusive < 0.7, PMID: 27666373). To our knowledge, functional studies have not been reported for this variant. This variant has not been reported in individuals affected with CACNA1S-related disorders in the literature. This variant has been identified in 3/282838 chromosomes in the general population by the Genome Aggregation Database (gnomAD). The available evidence is insufficient to determine the role of this variant in disease conclusively. Therefore, this variant is classified as a Variant of Uncertain Significance.

This study involves interpretation of variants in research participants for the purpose of population health screening. Participant phenotype was not available at the time of variant classification. Additional details can be found in publication PMID: 35346344, PMCID: PMC8962531

NM_000069.3(CACNA1S):c.4168G>T (p.Asp1390Tyr)

Gene: CACNA1S (calcium voltage-gated channel subunit alpha1 S; minus strand). Cytogenetic location: 1q32.1.
Variant type: single nucleotide variant.
Coding change: c.4168G>T on transcript NM_000069.3 (MANE Select); coding-DNA position 4168, G replaced by T.
Protein change: p.Asp1390Tyr; replaces aspartic acid 1390 with tyrosine.
Molecular consequence: missense variant.
Genome position (GRCh38, 1-based): chr1:201,050,462, C>A on the plus strand (G>T on the coding strand, the complement: CACNA1S is on the minus strand). VCF-style: chr1-201050462-C-A. GRCh37 (hg19) VCF-style: chr1-201019590-C-A.
Other names: short protein forms D1390Y.
Identifiers: ClinVar variation 3069403 (VCV003069403.4), dbSNP rs1406078465, ClinGen allele CA344148523.
Genomic context (GRCh38, chr1:201,050,462, plus strand): 5'-CATACTCTGCCCAGATGGCCTTGAACTCATCCAGGTGATGAGGGCCCAGGATGGACCAGT[C>A]CCGGGTGAGGTAGTCAAAATTGTCCATGATGACAGCCACAAAGAGGTTGATGACCTGCAA-3'
Protein context (NP_000060.2, residues 1380-1400): IMDNFDYLTR[Asp1390Tyr]WSILGPHHLD